The following is an entry in ClinVar:

ClinVar aggregate classification (germline): Uncertain significance (1 of 4 stars; one submission).

Submission:

GeneDx
Classification: Uncertain significance. Last evaluated: 2022-06-01. Review status: criteria provided, single submitter. Criteria: GeneDx Variant Classification Process June 2021. Collection method: clinical testing. Allele origin: germline. Affected: yes.
Comment: Not observed at significant frequency in large population cohorts (gnomAD); In silico analysis supports that this variant does not alter splicing; Has not been previously published as pathogenic or benign to our knowledge

NM_006231.4(POLE):c.4728+5G>C

Gene: POLE (DNA polymerase epsilon, catalytic subunit; minus strand). Cytogenetic location: 12q24.33.
Variant type: single nucleotide variant.
Coding change: c.4728+5G>C on transcript NM_006231.4 (MANE Select); 5 bases into the intron after coding-DNA position 4728, G replaced by C.
Molecular consequence: intron variant.
Genome position (GRCh38, 1-based): chr12:132,642,815, C>G on the plus strand (G>C on the coding strand, the complement: POLE is on the minus strand). VCF-style: chr12-132642815-C-G. GRCh37 (hg19) VCF-style: chr12-133219401-C-G.
Identifiers: ClinVar variation 1801943 (VCV001801943.1), dbSNP rs2138538350, ClinGen allele CA2580085991.